The following is an entry in ClinVar:

ClinVar aggregate classification (germline): Uncertain significance (1 of 4 stars; one submission).

Conditions:
Hereditary breast ovarian cancer syndrome. Also called: Hereditary breast and/or ovarian cancer syndrome; Hereditary breast and ovarian cancer syndrome; Hereditary breast and ovarian cancer syndrome (HBOC); Breast and ovarian cancer; BRCA1- and BRCA2-Associated Hereditary Breast and Ovarian Cancer; Hereditary breast and ovarian cancer. Identifiers: Orphanet 145, MedGen C0677776, MeSH D061325, MONDO:0003582. Disease mechanism: loss of function.

Submission:

Labcorp Genetics (formerly Invitae), Labcorp
Classification: Uncertain significance for Hereditary breast ovarian cancer syndrome. Last evaluated: 2020-06-06. Review status: criteria provided, single submitter. Criteria: Invitae Variant Classification Sherloc (09022015). Collection method: clinical testing. Allele origin: germline.
Comment: This sequence change replaces phenylalanine with tyrosine at codon 3159 of the BRCA2 protein (p.Phe3159Tyr). The phenylalanine residue is moderately conserved and there is a small physicochemical difference between phenylalanine and tyrosine. This variant is not present in population databases (ExAC no frequency). This variant has not been reported in the literature in individuals with BRCA2-related conditions. Algorithms developed to predict the effect of missense changes on protein structure and function are either unavailable or do not agree on the potential impact of this missense change (SIFT: "Deleterious"; PolyPhen-2: "Probably Damaging"; Align-GVGD: "Class C0"). In summary, the available evidence is currently insufficient to determine the role of this variant in disease. Therefore, it has been classified as a Variant of Uncertain Significance.

NM_000059.4(BRCA2):c.9476T>A (p.Phe3159Tyr)

Gene: BRCA2 (BRCA2 DNA repair associated; plus strand). Cytogenetic location: 13q13.1.
Variant type: single nucleotide variant.
Coding change: c.9476T>A on transcript NM_000059.4 (MANE Select); coding-DNA position 9476, T replaced by A.
Protein change: p.Phe3159Tyr; replaces phenylalanine 3159 with tyrosine.
Molecular consequence: missense variant.
Genome position (GRCh38, 1-based): chr13:32,394,908, T>A. VCF-style: chr13-32394908-T-A. GRCh37 (hg19) VCF-style: chr13-32969045-T-A.
Other names: short protein forms F3159Y.
Identifiers: ClinVar variation 1004353 (VCV001004353.9), dbSNP rs2073025259, ClinGen allele CA387761777.